The following is an entry in ClinVar:

ClinVar aggregate classification (germline): Likely benign. Review status: criteria provided, multiple submitters, no conflicts (2 of 4 stars). 3 submissions from 3 submitters: Likely benign (3). Last evaluated 2026-03-03.

Conditions:
Inborn genetic diseases. Identifiers: MedGen C0950123, MeSH D030342.

Submissions (3):

Ambry Genetics
Classification: Likely benign for Inborn genetic diseases. Last evaluated: 2026-03-03. Review status: criteria provided, single submitter. Criteria: Ambry Variant Classification Scheme 2023. Collection method: clinical testing. Allele origin: germline.

Labcorp Genetics (formerly Invitae), Labcorp
Classification: Likely benign. Last evaluated: 2026-01-06. Review status: criteria provided, single submitter. Criteria: Invitae Variant Classification Sherloc (09022015). Collection method: clinical testing. Allele origin: germline.

CeGaT Center for Human Genetics Tuebingen
Classification: Likely benign. Last evaluated: 2024-03-01. Review status: criteria provided, single submitter. Criteria: CeGaT Center For Human Genetics Tuebingen Variant Classification Criteria Version 2. Collection method: clinical testing. Allele origin: germline. Affected: yes. Observed: 2 variant alleles.
Comment: FBXO11: BP3, BS1

NM_001190274.2(FBXO11):c.149AGC[9] (p.Gln55_Gln56dup)

Genes: FBXO11 (F-box protein 11; minus strand), LOC100506235 (uncharacterized LOC100506235; plus strand). Cytogenetic location: 2p16.3.
Variant type: Microsatellite.
Coding change: c.149AGC[9] on transcript NM_001190274.2 (MANE Select); nine copies in a row of the 3-base unit AGC starting at c.149; the reference has seven copies in a row; two copies, 6 bases duplicated.
Protein change: p.Gln55_Gln56dup.
Molecular consequence: inframe insertion.
Genome position (GRCh38, 1-based): chr2:47,905,552-47,905,557, GCTGCT duplicated on the plus strand (AGCAGC on the coding strand, the reverse complement: FBXO11 is on the minus strand); duplicating any 6 consecutive bases within chr2:47,905,552-47,905,574 gives the same sequence; the position shown is the placement nearest the transcript's 3' end. VCF-style (leftmost placement, unchanged base first): chr2-47905551-G-GGCTGCT. GRCh37 (hg19) VCF-style: chr2-48132690-G-GGCTGCT.
Other names: c.164_169dupAGCAGC (NM_001190274.1).
Identifiers: ClinVar variation 1569806 (VCV001569806.32), dbSNP rs746953076, ClinGen allele CA1650236.